The following is an entry in ClinVar:

NM_002519.3(NPAT):c.1270C>G (p.Gln424Glu)

Gene: NPAT (nuclear protein, coactivator of histone transcription; minus strand). Cytogenetic location: 11q22.3.
Variant type: single nucleotide variant.
Coding change: c.1270C>G on transcript NM_002519.3 (MANE Select); coding-DNA position 1270, C replaced by G.
Protein change: p.Gln424Glu; replaces glutamine 424 with glutamic acid.
Molecular consequence: missense variant.
Genome position (GRCh38, 1-based): chr11:108,173,714, G>C on the plus strand (C>G on the coding strand, the complement: NPAT is on the minus strand). VCF-style: chr11-108173714-G-C. GRCh37 (hg19) VCF-style: chr11-108044441-G-C.
Other names: c.1270C>G, p.Gln424Glu (NM_001321307.1); short protein forms Q424E.
Identifiers: ClinVar variation 3222455 (VCV003222455.1), dbSNP rs2496721968, ClinGen allele CA382515795.

ClinVar aggregate classification (germline): Uncertain significance (1 of 4 stars; one submission).

Submission:

Ambry Genetics
Classification: Uncertain significance. Last evaluated: 2023-12-22. Review status: criteria provided, single submitter. Criteria: Ambry Variant Classification Scheme 2023. Collection method: clinical testing. Allele origin: germline.
Comment: The p.Q424E variant (also known as c.1270C>G), located in coding exon 13 of the NPAT gene, results from a C to G substitution at nucleotide position 1270. The glutamine at codon 424 is replaced by glutamic acid, an amino acid with highly similar properties. This amino acid position is conserved. In addition, this alteration is predicted to be tolerated by in silico analysis. Since supporting evidence is limited at this time, the clinical significance of this alteration remains unclear.